The following is an entry in ClinVar:

NM_002519.3(NPAT):c.3614A>C (p.Gln1205Pro)

Gene: NPAT (nuclear protein, coactivator of histone transcription; minus strand). Cytogenetic location: 11q22.3.
Variant type: single nucleotide variant.
Coding change: c.3614A>C on transcript NM_002519.3 (MANE Select); coding-DNA position 3614, A replaced by C.
Protein change: p.Gln1205Pro; replaces glutamine 1205 with proline.
Molecular consequence: missense variant.
Genome position (GRCh38, 1-based): chr11:108,161,472, T>G on the plus strand (A>C on the coding strand, the complement: NPAT is on the minus strand). VCF-style: chr11-108161472-T-G. GRCh37 (hg19) VCF-style: chr11-108032199-T-G.
Other names: c.3635A>C, p.Gln1212Pro (NM_001321307.1); short protein forms Q1212P, Q1205P.
Identifiers: ClinVar variation 4694602 (VCV004694602.1).

ClinVar aggregate classification (germline): Uncertain significance (1 of 4 stars; one submission).

gnomAD v4.1: 75 of 1,614,138 alleles (0.0046%); highest among the groups gnomAD compares: Non-Finnish European, 0.0061%; no homozygotes.

Submission:

Labcorp Genetics (formerly Invitae), Labcorp
Classification: Uncertain significance. Last evaluated: 2025-11-22. Review status: criteria provided, single submitter. Criteria: Invitae Variant Classification Sherloc (09022015). Collection method: clinical testing. Allele origin: germline.
Comment: This sequence change replaces glutamine, which is neutral and polar, with proline, which is neutral and non-polar, at codon 1205 of the NPAT protein (p.Gln1205Pro). This variant is present in population databases (rs756865502, gnomAD 0.004%). This variant has not been reported in the literature in individuals affected with NPAT-related conditions. An algorithm developed to predict the effect of missense changes on protein structure and function (PolyPhen-2) suggests that this variant is likely to be disruptive. In summary, the available evidence is currently insufficient to determine the role of this variant in disease. Therefore, it has been classified as a Variant of Uncertain Significance.